The following is an entry in ClinVar:

ClinVar aggregate classification (germline): Uncertain significance (1 of 4 stars; one submission).

Conditions:
Bardet-Biedl syndrome (BBS). Identifiers: Orphanet 110, MedGen C0752166, MONDO:0015229.

Submission:

Labcorp Genetics (formerly Invitae), Labcorp
Classification: Uncertain significance for Bardet-Biedl syndrome. Last evaluated: 2024-02-23. Review status: criteria provided, single submitter. Criteria: Invitae Variant Classification Sherloc (09022015). Collection method: clinical testing. Allele origin: germline.
Comment: This sequence change replaces glutamine, which is neutral and polar, with arginine, which is basic and polar, at codon 334 of the BBS5 protein (p.Gln334Arg). This variant is not present in population databases (gnomAD no frequency). This variant has not been reported in the literature in individuals affected with BBS5-related conditions. ClinVar contains an entry for this variant (Variation ID: 1389330). Advanced modeling of protein sequence and biophysical properties (such as structural, functional, and spatial information, amino acid conservation, physicochemical variation, residue mobility, and thermodynamic stability) performed at Invitae indicates that this missense variant is not expected to disrupt BBS5 protein function with a negative predictive value of 80%. In summary, the available evidence is currently insufficient to determine the role of this variant in disease. Therefore, it has been classified as a Variant of Uncertain Significance.

NM_152384.3(BBS5):c.1001A>G (p.Gln334Arg)

Gene: BBS5 (Bardet-Biedl syndrome 5; plus strand). Cytogenetic location: 2q31.1.
Variant type: single nucleotide variant.
Coding change: c.1001A>G on transcript NM_152384.3 (MANE Select); coding-DNA position 1001, A replaced by G.
Protein change: p.Gln334Arg; replaces glutamine 334 with arginine.
Molecular consequence: missense variant.
Genome position (GRCh38, 1-based): chr2:169,504,557, A>G. VCF-style: chr2-169504557-A-G. GRCh37 (hg19) VCF-style: chr2-170361067-A-G.
Other names: short protein forms Q334R.
Identifiers: ClinVar variation 1389330 (VCV001389330.6), dbSNP rs2105304403, ClinGen allele CA349170473.
Genomic context (GRCh38, chr2:169,504,557, plus strand): 5'-CTGTATTTTCAGAAGAACTGGGGCTTGCAATAGAGAAATTGAAGGATGGATTCACCCTAC[A>G]GGGACTTTGGGAAGTAATGAGTTGATTGACCTTGAGTTGAGATGGATTTCTATTAAAGAT-3'
Protein context (NP_689597.1, residues 324-341): IEKLKDGFTL[Gln334Arg]GLWEVMS